The following is an entry in ClinVar:

ClinVar aggregate classification (germline): Uncertain significance. Review status: criteria provided, multiple submitters, no conflicts (2 of 4 stars). 2 submissions from 2 submitters: Uncertain significance (2). Last evaluated 2026-03-03.

Conditions:
Hereditary cancer-predisposing syndrome. Also called: Hereditary Cancer Syndrome; Neoplastic Syndromes, Hereditary; Tumor predisposition; Hereditary neoplastic syndrome. Identifiers: Orphanet 140162, MedGen C0027672, MeSH D009386, MONDO:0015356.
Retinoblastoma (RB1). Also called: RETINOBLASTOMA, SOMATIC. Identifiers: Orphanet 790, MedGen C0035335, MeSH D012175, MONDO:0008380, OMIM 180200, HP:0009919. Disease mechanism: loss of function. Inheritance: Both sporadic and heritable forms are tested..

Submissions (2):

Ambry Genetics
Classification: Uncertain significance for Hereditary cancer-predisposing syndrome. Last evaluated: 2026-03-03. Review status: criteria provided, single submitter. Criteria: Ambry Variant Classification Scheme 2023. Collection method: clinical testing. Allele origin: germline.

Labcorp Genetics (formerly Invitae), Labcorp
Classification: Uncertain significance for Retinoblastoma. Last evaluated: 2022-11-09. Review status: criteria provided, single submitter. Criteria: Invitae Variant Classification Sherloc (09022015). Collection method: clinical testing. Allele origin: germline.
Comment: In summary, the available evidence is currently insufficient to determine the role of this variant in disease. Therefore, it has been classified as a Variant of Uncertain Significance. Advanced modeling of protein sequence and biophysical properties (such as structural, functional, and spatial information, amino acid conservation, physicochemical variation, residue mobility, and thermodynamic stability) performed at Invitae indicates that this missense variant is not expected to disrupt RB1 protein function. ClinVar contains an entry for this variant (Variation ID: 1002180). This variant has not been reported in the literature in individuals affected with RB1-related conditions. This variant is not present in population databases (gnomAD no frequency). This sequence change replaces alanine, which is neutral and non-polar, with serine, which is neutral and polar, at codon 635 of the RB1 protein (p.Ala635Ser).

NM_000321.3(RB1):c.1903G>T (p.Ala635Ser)

Gene: RB1 (RB transcriptional corepressor 1; plus strand). Cytogenetic location: 13q14.2.
Variant type: single nucleotide variant.
Coding change: c.1903G>T on transcript NM_000321.3 (MANE Select); coding-DNA position 1903, G replaced by T.
Protein change: p.Ala635Ser; replaces alanine 635 with serine.
Molecular consequence: missense variant.
Genome position (GRCh38, 1-based): chr13:48,456,292, G>T. VCF-style: chr13-48456292-G-T. GRCh37 (hg19) VCF-style: chr13-49030428-G-T.
Other names: c.1903G>T (NM_000321.2); short protein forms A635S.
Identifiers: ClinVar variation 1002180 (VCV001002180.9), dbSNP rs1949359622, ClinGen allele CA388166067.